The following is an entry in ClinVar:

NM_006767.4(LZTR1):c.2426T>G (p.Leu809Arg)

Gene: LZTR1 (leucine zipper like post translational regulator 1; plus strand). Cytogenetic location: 22q11.21.
Variant type: single nucleotide variant.
Coding change: c.2426T>G on transcript NM_006767.4 (MANE Select); coding-DNA position 2426, T replaced by G.
Protein change: p.Leu809Arg; replaces leucine 809 with arginine.
Molecular consequence: missense variant.
Genome position (GRCh38, 1-based): chr22:20,997,251, T>G. VCF-style: chr22-20997251-T-G. GRCh37 (hg19) VCF-style: chr22-21351540-T-G.
Other names: c.2426T>G (NM_006767.3); short protein forms L809R.
Identifiers: ClinVar variation 3338326 (VCV003338326.4).

ClinVar aggregate classification (germline): Uncertain significance. Review status: criteria provided, multiple submitters, no conflicts (2 of 4 stars). 3 submissions from 3 submitters: Uncertain significance (3). Last evaluated 2025-05-05.

Conditions:
Cardiovascular phenotype. Identifiers: MedGen CN230736.
Hereditary cancer-predisposing syndrome. Also called: Tumor predisposition; Hereditary Cancer Syndrome; Neoplastic Syndromes, Hereditary; Hereditary neoplastic syndrome. Identifiers: Orphanet 140162, MedGen C0027672, MeSH D009386, MONDO:0015356.
Noonan syndrome 1 (NS1). Also called: FEMALE PSEUDO-TURNER SYNDROME; TURNER PHENOTYPE WITH NORMAL KARYOTYPE; PTPN11-Related Noonan Syndrome. Identifiers: Orphanet 648, MedGen C4551602, MONDO:0008104, OMIM 163950. Disease mechanism: gain of function.

gnomAD v4.1: 2 of 1,613,538 alleles (0.00012%); highest among the groups gnomAD compares: Non-Finnish European, 0.000085%; no homozygotes.

Submissions (3):

Ambry Genetics
Classification: Uncertain significance for Cardiovascular phenotype; Hereditary cancer-predisposing syndrome. Last evaluated: 2025-05-05. Review status: criteria provided, single submitter. Criteria: Ambry Variant Classification Scheme 2023. Collection method: clinical testing. Allele origin: germline.
Comment: The p.L809R variant (also known as c.2426T>G), located in coding exon 21 of the LZTR1 gene, results from a T to G substitution at nucleotide position 2426. The leucine at codon 809 is replaced by arginine, an amino acid with dissimilar properties. This amino acid position is conserved. In addition, this alteration is predicted to be deleterious by in silico analysis. Based on the available evidence, the clinical significance of this variant remains unclear.

Labcorp Genetics (formerly Invitae), Labcorp
Classification: Uncertain significance. Last evaluated: 2024-07-17. Review status: criteria provided, single submitter. Criteria: Invitae Variant Classification Sherloc (09022015). Collection method: clinical testing. Allele origin: germline.
Comment: This sequence change replaces leucine, which is neutral and non-polar, with arginine, which is basic and polar, at codon 809 of the LZTR1 protein (p.Leu809Arg). This variant is present in population databases (rs771094125, gnomAD 0.004%). This variant has not been reported in the literature in individuals affected with LZTR1-related conditions. Advanced modeling of protein sequence and biophysical properties (such as structural, functional, and spatial information, amino acid conservation, physicochemical variation, residue mobility, and thermodynamic stability) performed at Invitae indicates that this missense variant is not expected to disrupt LZTR1 protein function with a negative predictive value of 80%. In summary, the available evidence is currently insufficient to determine the role of this variant in disease. Therefore, it has been classified as a Variant of Uncertain Significance.

Centre for Human Genetics
Classification: Uncertain significance for Noonan syndrome 1. Review status: criteria provided, single submitter. Criteria: ACMG Guidelines, 2015. Collection method: clinical testing. Allele origin: de novo. Inheritance: Autosomal dominant inheritance. Affected: yes. Observed: 1 variant allele.
Comment: This variant is predicted to be deleterious by in silico analysis. However, due to lack of experimental evidence demonstrating its impact on protein function, the clinical significance of this variant is currently uncertain.